The following is an entry in ClinVar:

NM_001164508.2(NEB):c.10344C>T (p.Asn3448=)

Gene: NEB (nebulin; minus strand). Cytogenetic location: 2q23.3.
Variant type: single nucleotide variant.
Coding change: c.10344C>T on transcript NM_001164508.2 (MANE Select); coding-DNA position 10344, C replaced by T.
Protein change: p.Asn3448=; no amino-acid change (asparagine 3448 retained).
Molecular consequence: synonymous variant.
Genome position (GRCh38, 1-based): chr2:151,627,005, G>A on the plus strand (C>T on the coding strand, the complement: NEB is on the minus strand). VCF-style: chr2-151627005-G-A. GRCh37 (hg19) VCF-style: chr2-152483519-G-A.
Other names: p.Asn3448=; c.10344C>T, p.Asn3448= (NM_001164507.2, NM_001271208.2); c.9615C>T, p.Asn3205= (NM_004543.5).
Identifiers: ClinVar variation 257717 (VCV000257717.24), dbSNP rs145052299, ClinGen allele CA1909060.
Genomic context (GRCh38, chr2:151,627,005, plus strand): 5'-TAGGTATCTTGAATGACATATAGCCCTGTCTTATTTTCCTACAAATTGGGGGCTCACCTT[G>A]TTCATATTGAGAGCATTGTTCTTGGCCAGCACCTGCTCTAGAGAGTCAGTCACACTGGTA-3'
Protein context (NP_001157980.2, residues 3438-3458): VLAKNNALNM[Asn3448=]KRLYTEAWDK

ClinVar aggregate classification (germline): Benign. Review status: criteria provided, multiple submitters, no conflicts (2 of 4 stars). 9 submissions from 9 submitters: Benign (8). 1 of the submissions does not count toward it. Last evaluated 2026-02-04.

Conditions:
Nemaline myopathy 2 (NEM2). Also called: Nemaline myopathy 2, autosomal recessive. Identifiers: MedGen C1850569, MONDO:0009725, OMIM 256030.

Allele frequency attached by ClinVar (database versions not stated): gnomAD exomes 0.00242 and 0.00769; ESP Exome Variant Server 0.00689; ExAC 0.00766; gnomAD 0.00870 and 0.00891; TOPMed 0.01112; 1000 Genomes Project 30x 0.02061; 1000 Genomes Project 0.02097.
gnomAD v4.1: 5,075 of 1,613,800 alleles (0.31%); highest among the groups gnomAD compares: East Asian, 4.2%; 77 homozygotes.

Submissions (9):

Labcorp Genetics (formerly Invitae), Labcorp
Classification: Benign for Nemaline myopathy 2. Last evaluated: 2026-02-04. Review status: criteria provided, single submitter. Criteria: Invitae Variant Classification Sherloc (09022015). Collection method: clinical testing. Allele origin: germline.

Athena Diagnostics
Classification: Benign. Last evaluated: 2025-05-09. Review status: criteria provided, single submitter. Criteria: Athena Diagnostics Criteria. Collection method: clinical testing. Allele origin: unknown.
Comment: The frequency of this variant in the general population is higher than would generally be expected for pathogenic variants in this gene.

Mayo Clinic Laboratories, Mayo Clinic
Classification: Benign. Last evaluated: 2022-11-29. Review status: criteria provided, single submitter. Criteria: ACMG Guidelines, 2015. Collection method: clinical testing. Allele origin: germline. Observed: 5 variant alleles.

Illumina Laboratory Services, Illumina
Classification: Benign for Nemaline myopathy 2. Last evaluated: 2018-01-13. Review status: criteria provided, single submitter. Criteria: ICSL Variant Classification Criteria 13 December 2019. Collection method: clinical testing. Allele origin: germline.
Comment: This variant was observed in the ICSL laboratory as part of a predisposition screen in an ostensibly healthy population. It had not been previously curated by ICSL or reported in the Human Gene Mutation Database (HGMD: prior to June 1st, 2018), and was therefore a candidate for classification through an automated scoring system. Utilizing variant allele frequency, disease prevalence and penetrance estimates, and inheritance mode, an automated score was calculated to assess if this variant is too frequent to cause the disease. Based on the score and internal cut-off values, a variant classified as benign is not then subjected to further curation. The score for this variant resulted in a classification of benign for this disease.

Women's Health and Genetics/Laboratory Corporation of America, LabCorp
Classification: Benign. Last evaluated: 2017-04-24. Review status: criteria provided, single submitter. Criteria: LabCorp Variant Classification Summary - May 2015. Collection method: clinical testing. Allele origin: germline.
Comment: Variant summary: The NEB c.10344C>T (p.Asn3448Asn) variant involves the alteration of a non-conserved nucleotide, resulting in a synonymous change. One in silico tool predicts a damaging outcome for this variant. 5/5 splice prediction tools predict no significant impact on normal splicing. However, these predictions have yet to be confirmed by functional studies. This variant was found in 925/120696 control chromosomes (19 homozygotes) at a frequency of 0.0076639, which is approximately 2 times the estimated maximal expected allele frequency of a pathogenic NEB variant (0.0035355), suggesting this variant is likely a benign polymorphism. The variant is more common in East Asian sub-population with allele frequency of 5.4% (464/8592 chromosomes). In addition, multiple clinical diagnostic laboratories/reputable databases classified this variant as benign. The variant of interest has not, to our knowledge, been reported in affected individuals via publications nor evaluated for functional impact by in vivo/vitro studies. Taken together, this variant is classified as benign.

GeneDx
Classification: Benign. Last evaluated: 2016-07-08. Review status: criteria provided, single submitter. Criteria: GeneDx Variant Classification (06012015). Collection method: clinical testing. Allele origin: germline. Affected: yes.
Comment: This variant is considered likely benign or benign based on one or more of the following criteria: it is a conservative change, it occurs at a poorly conserved position in the protein, it is predicted to be benign by multiple in silico algorithms, and/or has population frequency not consistent with disease.

Breakthrough Genomics
Classification: Benign. Review status: criteria provided, single submitter. Criteria: ACMG Guidelines, 2015. Collection method: not provided. Allele origin: germline. Inheritance: Autosomal recessive inheritance. Affected: yes.

PreventionGenetics, part of Exact Sciences
Classification: Benign. Review status: criteria provided, single submitter. Criteria: ACMG Guidelines, 2015. Collection method: clinical testing. Allele origin: germline.

Natera, Inc.
Classification: Benign for Nemaline myopathy type 2. Last evaluated: 2020-09-16. Review status: no assertion criteria provided. Collection method: clinical testing. Allele origin: germline. Not counted in ClinVar's aggregate classification.